The following is an entry in ClinVar:

ClinVar aggregate classification (germline): Uncertain significance (1 of 4 stars; one submission).

Submission:

Women's Health and Genetics/Laboratory Corporation of America, LabCorp
Classification: Uncertain significance. Last evaluated: 2026-06-25. Review status: criteria provided, single submitter. Criteria: LabCorp Variant Classification Summary - May 2015. Collection method: clinical testing. Allele origin: germline.
Comment: Variant summary: ZNF469 c.1264C>T (p.Pro422Ser) results in a non-conservative amino acid change in the encoded protein sequence. Algorithms developed to predict the effect of missense changes on protein structure and function are either unavailable or do not agree on the potential impact of this missense change. The variant was absent in 144614 control chromosomes. The available data on variant occurrences in the general population are insufficient to allow any conclusion about variant significance. To our knowledge, no occurrence of c.1264C>T in individuals affected with ZNF469-related conditions and no experimental evidence demonstrating its impact on protein function have been reported. No submitters have cited clinical-significance assessments for this variant to ClinVar. Based on the evidence outlined above, the variant was classified as uncertain significance.

NM_001367624.2(ZNF469):c.1264C>T (p.Pro422Ser)

Gene: ZNF469 (zinc finger protein 469; plus strand). Cytogenetic location: 16q24.2.
Variant type: single nucleotide variant.
Coding change: c.1264C>T on transcript NM_001367624.2 (MANE Select); coding-DNA position 1264, C replaced by T.
Protein change: p.Pro422Ser; replaces proline 422 with serine.
Molecular consequence: missense variant.
Genome position (GRCh38, 1-based): chr16:88,428,734, C>T. VCF-style: chr16-88428734-C-T. GRCh37 (hg19) VCF-style: chr16-88495142-C-T.
Other names: short protein forms P422S.
Identifiers: ClinVar variation 4887675 (VCV004887675.1).